The following is an entry in ClinVar:

ClinVar aggregate classification (germline): Uncertain significance (1 of 4 stars; one submission).

Submission:

Labcorp Genetics (formerly Invitae), Labcorp
Classification: Uncertain significance. Last evaluated: 2022-03-19. Review status: criteria provided, single submitter. Criteria: Invitae Variant Classification Sherloc (09022015). Collection method: clinical testing. Allele origin: germline.
Comment: This variant, c.438_446del, results in the deletion of 3 amino acid(s) of the PTF1A protein (p.Ala147_Ala149del), but otherwise preserves the integrity of the reading frame. This variant is not present in population databases (gnomAD no frequency). This variant has not been reported in the literature in individuals affected with PTF1A-related conditions. Experimental studies and prediction algorithms are not available or were not evaluated, and the functional significance of this variant is currently unknown. In summary, the available evidence is currently insufficient to determine the role of this variant in disease. Therefore, it has been classified as a Variant of Uncertain Significance.

NM_178161.3(PTF1A):c.438_446del (p.Ala147_Ala149del)

Gene: PTF1A (pancreas associated transcription factor 1a; plus strand). Cytogenetic location: 10p12.2.
Variant type: Deletion.
Coding change: c.438_446del on transcript NM_178161.3 (MANE Select); coding-DNA positions 438 to 446, 9 bases deleted (TGCGGCGGC; older notation c.438_446delTGCGGCGGC).
Protein change: p.Ala147_Ala149del.
Molecular consequence: inframe deletion.
Genome position (GRCh38, 1-based): chr10:23,192,968-23,192,976, TGCGGCGGC deleted; deleting any 9 consecutive bases within chr10:23,192,960-23,192,976 gives the same sequence; the c. name uses the placement nearest the transcript's 3' end. VCF-style (leftmost placement, unchanged base first): chr10-23192959-AGCGGCGGCT-A. GRCh37 (hg19) VCF-style: chr10-23481888-AGCGGCGGCT-A.
Identifiers: ClinVar variation 2196890 (VCV002196890.1), dbSNP rs921761514, ClinGen allele CA204733984.
Genomic context (GRCh38, chr10:23,192,959, plus strand): 5'-CTACCCGTGCGCCGGGGCGGCAGTACTGTCTCCCGGGGCGCGGCTGCGCGGCCTGAGCGG[AGCGGCGGCT>A]GCGGCGGCGCGGCGCCGGCGGCGGGTGCGCTCCGAGGCGGAGCTGCAGCAGCTGCGGCAG-3'